The following is an entry in ClinVar:

NM_032638.5(GATA2):c.1206C>G (p.Asn402Lys)

Gene: GATA2 (GATA binding protein 2; minus strand). Cytogenetic location: 3q21.3.
Variant type: single nucleotide variant.
Coding change: c.1206C>G on transcript NM_032638.5 (MANE Select); coding-DNA position 1206, C replaced by G.
Protein change: p.Asn402Lys; replaces asparagine 402 with lysine.
Molecular consequence: missense variant.
Genome position (GRCh38, 1-based): chr3:128,481,256, G>C on the plus strand (C>G on the coding strand, the complement: GATA2 is on the minus strand). VCF-style: chr3-128481256-G-C. GRCh37 (hg19) VCF-style: chr3-128200099-G-C.
Other names: c.1206C>G, p.Asn402Lys (NM_001145661.2); c.1164C>G, p.Asn388Lys (NM_001145662.1); short protein forms N388K, N402K.
Identifiers: ClinVar variation 5022206 (VCV005022206.1).

ClinVar aggregate classification (germline): Uncertain significance (1 of 4 stars; one submission).

Conditions:
Inborn genetic diseases. Identifiers: MedGen C0950123, MeSH D030342.

Submission:

Ambry Genetics
Classification: Uncertain significance for Inborn genetic diseases. Last evaluated: 2026-07-07. Review status: criteria provided, single submitter. Criteria: Ambry Variant Classification Scheme 2023. Collection method: clinical testing. Allele origin: germline.
Comment: The p.N402K variant (also known as c.1206C>G), located in coding exon 5 of the GATA2 gene, results from a C to G substitution at nucleotide position 1206. The asparagine at codon 402 is replaced by lysine, an amino acid with similar properties. This amino acid position is conserved. In addition, the in silico prediction for this alteration is inconclusive. Based on the available evidence, the clinical significance of this variant remains unclear.